The following is an entry in ClinVar:

ClinVar aggregate classification (germline): Uncertain significance. Review status: criteria provided, single submitter (1 of 4 stars). 2 submissions from 2 submitters: Uncertain significance (1). 1 of the submissions does not count toward it. Last evaluated 2023-08-08.

Conditions:
DGCR8-related disorder. Also called: DGCR8-related condition.

Allele frequency attached by ClinVar (database versions not stated): ExAC 0.00015; 1000 Genomes Project 30x 0.00016; 1000 Genomes Project 0.00020; gnomAD 0.00034; ESP Exome Variant Server 0.00046.
gnomAD v4.1: 171 of 1,610,296 alleles (0.011%); highest among the groups gnomAD compares: African/African-American, 0.13%; no homozygotes.

Submissions (2):

Ambry Genetics
Classification: Uncertain significance. Last evaluated: 2023-08-08. Review status: criteria provided, single submitter. Criteria: Ambry Variant Classification Scheme 2023. Collection method: clinical testing. Allele origin: germline.

PreventionGenetics, part of Exact Sciences
Classification: Likely benign for DGCR8-related condition. Last evaluated: 2020-07-02. Review status: no assertion criteria provided. Collection method: clinical testing. Allele origin: germline. Not counted in ClinVar's aggregate classification.
Comment: This variant is classified as likely benign based on ACMG/AMP sequence variant interpretation guidelines (Richards et al. 2015 PMID: 25741868, with internal and published modifications).

NM_022720.7(DGCR8):c.43G>A (p.Ala15Thr)

Gene: DGCR8 (DGCR8 microprocessor complex subunit; plus strand). Cytogenetic location: 22q11.21.
Variant type: single nucleotide variant.
Coding change: c.43G>A on transcript NM_022720.7 (MANE Select); coding-DNA position 43, G replaced by A.
Protein change: p.Ala15Thr; replaces alanine 15 with threonine.
Molecular consequence: missense variant.
Genome position (GRCh38, 1-based): chr22:20,086,006, G>A. VCF-style: chr22-20086006-G-A. GRCh37 (hg19) VCF-style: chr22-20073529-G-A.
Other names: c.43G>A, p.Ala15Thr (NM_001190326.2); short protein forms A15T.
Identifiers: ClinVar variation 2591408 (VCV002591408.4), dbSNP rs140782334, ClinGen allele CA10106645.